The following is an entry in ClinVar:

NM_003638.3(ITGA8):c.2891A>G (p.Asp964Gly)

Gene: ITGA8 (integrin subunit alpha 8; minus strand). Cytogenetic location: 10p13.
Variant type: single nucleotide variant.
Coding change: c.2891A>G on transcript NM_003638.3 (MANE Select); coding-DNA position 2891, A replaced by G.
Protein change: p.Asp964Gly; replaces aspartic acid 964 with glycine.
Molecular consequence: missense variant.
Genome position (GRCh38, 1-based): chr10:15,531,141, T>C on the plus strand (A>G on the coding strand, the complement: ITGA8 is on the minus strand). VCF-style: chr10-15531141-T-C. GRCh37 (hg19) VCF-style: chr10-15573140-T-C.
Other names: c.2846A>G, p.Asp949Gly (NM_001291494.2); short protein forms D949G, D964G.
Identifiers: ClinVar variation 5017369 (VCV005017369.1).

ClinVar aggregate classification (germline): Uncertain significance (1 of 4 stars; one submission).

Submission:

GeneDx
Classification: Uncertain significance. Last evaluated: 2026-03-30. Review status: criteria provided, single submitter. Criteria: GeneDx Variant Classification Process June 2021. Collection method: clinical testing. Allele origin: germline.
Comment: Not observed at significant frequency in large population cohorts (gnomAD); In silico analysis suggests that this missense variant does not alter protein structure/function; Has not been previously published as pathogenic or benign to our knowledge